The following is an entry in ClinVar:

NM_207122.2(EXT2):c.1173+2T>A

Gene: EXT2 (exostosin glycosyltransferase 2; plus strand). Cytogenetic location: 11p11.2.
Variant type: single nucleotide variant.
Coding change: c.1173+2T>A on transcript NM_207122.2 (MANE Select); the canonical splice donor site of the intron after coding-DNA position 1173, T replaced by A.
Molecular consequence: splice donor variant.
Genome position (GRCh38, 1-based): chr11:44,130,140, T>A. VCF-style: chr11-44130140-T-A. GRCh37 (hg19) VCF-style: chr11-44151690-T-A.
Other names: c.1173+2T>A (NM_001389630.1, NM_001178083.3, NM_001389628.1); c.1272+2T>A (NM_000401.3).
Identifiers: ClinVar variation 578983 (VCV000578983.7), dbSNP rs1565205890, ClinGen allele CA380170610.

ClinVar aggregate classification (germline): Pathogenic (1 of 4 stars; one submission).

Conditions:
Exostoses, multiple, type 2 (EXT2). Also called: EXOSTOSES, MULTIPLE, TYPE II; Hereditary Multiple Osteochondromatosis, Type II. Identifiers: Orphanet 321, MedGen C1851413, MONDO:0007586, OMIM 133701.

Submission:

Labcorp Genetics (formerly Invitae), Labcorp
Classification: Pathogenic for Exostoses, multiple, type 2. Last evaluated: 2018-01-24. Review status: criteria provided, single submitter. Criteria: Invitae Variant Classification Sherloc (09022015). Collection method: clinical testing. Allele origin: germline.
Comment: This sequence change affects a donor splice site in intron 7 of the EXT2 gene. It is expected to disrupt RNA splicing and likely results in an absent or disrupted protein product. For these reasons, this variant has been classified as Pathogenic. Donor and acceptor splice site variants typically lead to a loss of protein function (PMID: 16199547), and loss-of-function variants in EXT2 are known to be pathogenic (PMID: 19810120). Algorithms developed to predict the effect of sequence changes on RNA splicing suggest that this variant may disrupt the consensus splice site, but this prediction has not been confirmed by published transcriptional studies. This variant is not present in population databases (ExAC no frequency).

Literature cited by the submitters: PubMed 16199547; PubMed 19810120.